The following is an entry in ClinVar:

ClinVar aggregate classification (germline): Conflicting classifications of pathogenicity. Review status: criteria provided, conflicting classifications (1 of 4 stars). 4 submissions from 4 submitters: Likely pathogenic (1); Uncertain significance (3). Last evaluated 2026-01-05.

Conditions:
Isovaleryl-CoA dehydrogenase deficiency (IVA). Also called: ISOVALERIC ACID CoA DEHYDROGENASE DEFICIENCY; Isovaleric acidemia; IVD DEFICIENCY; Classic Isovaleric Acidemia. Identifiers: Orphanet 33, MedGen C0268575, MONDO:0009475, OMIM 243500.
IVD-related disorder. Also called: IVD-related condition.

Allele frequency attached by ClinVar (database versions not stated): TOPMed below 0.00001; ExAC 0.00001; gnomAD exomes 0.00001.

Submissions (4):

Labcorp Genetics (formerly Invitae), Labcorp
Classification: Uncertain significance for Isovaleryl-CoA dehydrogenase deficiency. Last evaluated: 2026-01-05. Review status: criteria provided, single submitter. Criteria: Invitae Variant Classification Sherloc (09022015). Collection method: clinical testing. Allele origin: germline.
Comment: This sequence change replaces glycine, which is neutral and non-polar, with aspartic acid, which is acidic and polar, at codon 91 of the IVD protein (p.Gly91Asp). This variant is present in population databases (rs779579351, gnomAD 0.009%). This variant has not been reported in the literature in individuals affected with IVD-related conditions. ClinVar contains an entry for this variant (Variation ID: 1433747). An algorithm developed to predict the effect of missense changes on protein structure and function (PolyPhen-2) suggests that this variant is likely to be disruptive. In summary, the available evidence is currently insufficient to determine the role of this variant in disease. Therefore, it has been classified as a Variant of Uncertain Significance.

PreventionGenetics, part of Exact Sciences
Classification: Uncertain significance for IVD-related condition. Last evaluated: 2025-12-15. Review status: criteria provided, single submitter. Criteria: ACMG Guidelines, 2015. Collection method: clinical testing. Allele origin: germline.
Comment: The IVD c.272G>A variant is predicted to result in the amino acid substitution p.Gly91Asp. To our knowledge, this variant has not been previously reported in the literature in association with disease. This variant is reported in 0.0087% of alleles in individuals of Latino descent in gnomAD. At this time, the clinical significance of this variant is uncertain due to the absence of conclusive functional and genetic evidence.

3billion
Classification: Likely pathogenic for Isovaleryl-CoA dehydrogenase deficiency. Last evaluated: 2025-06-17. Review status: criteria provided, single submitter. Criteria: ACMG Guidelines, 2015. Collection method: clinical testing. Allele origin: germline. Affected: yes.
Comment: The variant is observed at an extremely low frequency in the gnomAD v4.1.0 dataset (total allele frequency: <0.001%). Predicted Consequence/Location: Missense variant In silico tool predictions suggest damaging effect of the variant on gene or gene product [REVEL: 0.97 (>=0.6, sensitivity 0.68 and specificity 0.92); 3Cnet: 0.99 (> 0.75, sensitivity 0.96 and precision 0.92)]. The same nucleotide change resulting in the same amino acid change has been previously reported to be associated with IVD-related disorder (3billion dataset). The variant has been reported to be in trans with a pathogenic variant as either compound heterozygous or homozygous in at least one similarly affected unrelated individual (3billion dataset). A different missense change at the same codon (p.Gly88Cys) has been reported to be associated with IVD-related disorder (ClinVar ID: VCV003233616 /PMID: 15486829). Therefore, this variant is classified as Likely pathogenic according to the recommendation of ACMG/AMP guideline.

GeneDx
Classification: Uncertain significance. Last evaluated: 2023-11-14. Review status: criteria provided, single submitter. Criteria: GeneDx Variant Classification Process June 2021. Collection method: clinical testing. Allele origin: germline. Affected: yes.
Comment: Not observed at significant frequency in large population cohorts (gnomAD); In silico analysis supports that this missense variant has a deleterious effect on protein structure/function; Has not been previously published as pathogenic or benign to our knowledge

Literature cited by the submitters: PubMed 15486829 (cited by 3billion).

NM_002225.5(IVD):c.263G>A (p.Gly88Asp)

Gene: IVD (isovaleryl-CoA dehydrogenase; plus strand). Cytogenetic location: 15q15.1.
Variant type: single nucleotide variant.
Coding change: c.263G>A on transcript NM_002225.5 (MANE Select); coding-DNA position 263, G replaced by A.
Protein change: p.Gly88Asp; replaces glycine 88 with aspartic acid.
Molecular consequence: missense variant. On other transcripts: non-coding transcript variant (1).
Genome position (GRCh38, 1-based): chr15:40,407,967, G>A. VCF-style: chr15-40407967-G-A. GRCh37 (hg19) VCF-style: chr15-40700166-G-A.
Other names: c.272G>A (NM_002225.3); c.173G>A, p.Gly58Asp (NM_001159508.3); c.215G>A, p.Gly72Asp (NM_001354597.3); c.263G>A, p.Gly88Asp (NM_001354598.3, NM_001354601.3); c.350G>A, p.Gly117Asp (NM_001354599.3, NM_001354600.3); short protein forms G58D, G72D, G88D, G117D.
Identifiers: ClinVar variation 1433747 (VCV001433747.12), dbSNP rs779579351, ClinGen allele CA7480572.